The following is an entry in ClinVar:

ClinVar aggregate classification (germline): Likely benign. Review status: criteria provided, multiple submitters, no conflicts (2 of 4 stars). 3 submissions from 3 submitters: Likely benign (3). Last evaluated 2025-03-31.

Conditions:
Familial cancer of breast. Also called: hereditary breast carcinoma; BREAST CANCER, FAMILIAL; Hereditary breast cancer. Identifiers: Orphanet 227535, MedGen C0346153, MONDO:0016419, OMIM 114480. Disease mechanism: loss of function.
Fanconi anemia complementation group J. Also called: BRIP1-Related Fanconi Anemia. Identifiers: Orphanet 84, MedGen C1836860, MONDO:0012187, OMIM 609054.
Hereditary cancer-predisposing syndrome. Also called: Hereditary Cancer Syndrome; Hereditary neoplastic syndrome; Neoplastic Syndromes, Hereditary; Tumor predisposition. Identifiers: Orphanet 140162, MedGen C0027672, MeSH D009386, MONDO:0015356.

Allele frequency attached by ClinVar (database versions not stated): gnomAD exomes below 0.00001; ExAC 0.00001.
gnomAD v4.1: 7 of 1,601,620 alleles (0.00044%); highest among the groups gnomAD compares: Non-Finnish European, 0.0006%; no homozygotes.

Submissions (3):

Color Diagnostics, LLC DBA Color Health
Classification: Likely benign for Hereditary cancer-predisposing syndrome. Last evaluated: 2025-03-31. Review status: criteria provided, single submitter. Criteria: ACMG Guidelines, 2015. Collection method: clinical testing. Allele origin: germline.

Myriad Genetics, Inc.
Classification: Likely benign for Familial cancer of breast. Last evaluated: 2024-08-29. Review status: criteria provided, single submitter. Criteria: Myriad Autosomal Dominant, Autosomal Recessive and X-Linked Classification Criteria (2023). Collection method: clinical testing. Allele origin: unknown.
Comment: This variant is considered likely benign. This variant is intronic and is not expected to impact mRNA splicing.

Labcorp Genetics (formerly Invitae), Labcorp
Classification: Likely benign for Familial cancer of breast; Fanconi anemia complementation group J. Last evaluated: 2024-05-28. Review status: criteria provided, single submitter. Criteria: Invitae Variant Classification Sherloc (09022015). Collection method: clinical testing. Allele origin: germline.

NM_032043.3(BRIP1):c.1795-12G>A

Gene: BRIP1 (BRCA1 interacting DNA helicase 1; minus strand). Cytogenetic location: 17q23.2.
Variant type: single nucleotide variant.
Coding change: c.1795-12G>A on transcript NM_032043.3 (MANE Select); 12 bases into the intron before coding-DNA position 1795, G replaced by A.
Molecular consequence: intron variant.
Genome position (GRCh38, 1-based): chr17:61,780,413, C>T on the plus strand (G>A on the coding strand, the complement: BRIP1 is on the minus strand). VCF-style: chr17-61780413-C-T. GRCh37 (hg19) VCF-style: chr17-59857774-C-T.
Identifiers: ClinVar variation 919418 (VCV000919418.13), dbSNP rs762289143, ClinGen allele CA8690650.
Genomic context (GRCh38, chr17:61,780,413, plus strand): 5'-CAGATGTCAAAACAATGGTCTGAACTTTGCCATTAATATCTGAAAAGGCCTAAAAGAAAA[C>T]AACATTAGATAAATAAAATTATCTTTAGAAGAGGCTGGGCAAAGTGGCTCACACCTGTAA-3'